The following is an entry in ClinVar:

ClinVar aggregate classification (germline): Uncertain significance. Review status: criteria provided, multiple submitters, no conflicts (2 of 4 stars). 2 submissions from 2 submitters: Uncertain significance (2). Last evaluated 2024-10-05.

Conditions:
Mosaic variegated aneuploidy syndrome 1 (MVA1). Also called: Warburton-Anyane-Yeboa syndrome. Identifiers: Orphanet 1052, MedGen C1850343, MONDO:0009759, OMIM 257300.
Inborn genetic diseases. Identifiers: MedGen C0950123, MeSH D030342.

Submissions (2):

Ambry Genetics
Classification: Uncertain significance for Inborn genetic diseases. Last evaluated: 2024-10-05. Review status: criteria provided, single submitter. Criteria: Ambry Variant Classification Scheme 2023. Collection method: clinical testing. Allele origin: germline.
Comment: The p.F805S variant (also known as c.2414T>C), located in coding exon 19 of the BUB1B gene, results from a T to C substitution at nucleotide position 2414. The phenylalanine at codon 805 is replaced by serine, an amino acid with highly dissimilar properties. This amino acid position is conserved. In addition, this alteration is predicted to be tolerated by in silico analysis. Based on the available evidence, the clinical significance of this variant remains unclear.

Labcorp Genetics (formerly Invitae), Labcorp
Classification: Uncertain significance for Mosaic variegated aneuploidy syndrome 1. Last evaluated: 2021-06-09. Review status: criteria provided, single submitter. Criteria: Invitae Variant Classification Sherloc (09022015). Collection method: clinical testing. Allele origin: germline.
Comment: In summary, this variant is a novel missense change with uncertain impact on protein function. It has been classified as a Variant of Uncertain Significance. Algorithms developed to predict the effect of missense changes on protein structure and function do not agree on the potential impact of this missense change (SIFT: "Deleterious"; PolyPhen-2: "Possibly Damaging"; Align-GVGD: "Class C0"). This variant is not present in population databases (ExAC no frequency) and has not been reported in the literature in individuals with a BUB1B-related disease. This sequence change replaces phenylalanine with serine at codon 805 of the BUB1B protein (p.Phe805Ser). The phenylalanine residue is moderately conserved and there is a large physicochemical difference between phenylalanine and serine.

NM_001211.6(BUB1B):c.2414T>C (p.Phe805Ser)

Gene: BUB1B (BUB1 mitotic checkpoint serine/threonine kinase B; plus strand). Cytogenetic location: 15q15.1.
Variant type: single nucleotide variant.
Coding change: c.2414T>C on transcript NM_001211.6 (MANE Select); coding-DNA position 2414, T replaced by C.
Protein change: p.Phe805Ser; replaces phenylalanine 805 with serine.
Molecular consequence: missense variant.
Genome position (GRCh38, 1-based): chr15:40,212,527, T>C. VCF-style: chr15-40212527-T-C. GRCh37 (hg19) VCF-style: chr15-40504728-T-C.
Other names: short protein forms F805S.
Identifiers: ClinVar variation 403756 (VCV000403756.9), dbSNP rs1060499948, ClinGen allele CA16614456.